The following is an entry in ClinVar:

ClinVar aggregate classification (germline): Likely benign. Review status: criteria provided, multiple submitters, no conflicts (2 of 4 stars). 2 submissions from 2 submitters: Likely benign (2). Last evaluated 2025-11-03.

Conditions:
Catecholaminergic polymorphic ventricular tachycardia (CVPT). Also called: Catecholamine-induced polymorphic ventricular tachycardia. Identifiers: Orphanet 3286, MedGen C5574922, MONDO:0017990.
Catecholaminergic polymorphic ventricular tachycardia 1. Also called: VENTRICULAR TACHYCARDIA, STRESS-INDUCED POLYMORPHIC 1; VENTRICULAR TACHYCARDIA, CATECHOLAMINERGIC POLYMORPHIC, 1, WITH OR WITHOUT ATRIAL DYSFUNCTION AND/OR DILATED CARDIOMYOPATHY; RYR2-Related Catecholaminergic Polymorphic Ventricular Tachycardia. Identifiers: Orphanet 3286, MedGen C1631597, MONDO:0011484, OMIM 604772.

Allele frequency attached by ClinVar (database versions not stated): gnomAD exomes below 0.00001.
gnomAD v4.1: 2 of 1,583,490 alleles (0.00013%); highest among the groups gnomAD compares: East Asian, 0.0023%; no homozygotes.

Submissions (2):

Labcorp Genetics (formerly Invitae), Labcorp
Classification: Likely benign for Catecholaminergic polymorphic ventricular tachycardia 1. Last evaluated: 2025-11-03. Review status: criteria provided, single submitter. Criteria: Invitae Variant Classification Sherloc (09022015). Collection method: clinical testing. Allele origin: germline.

All of Us Research Program, National Institutes of Health
Classification: Likely benign for Catecholaminergic polymorphic ventricular tachycardia. Last evaluated: 2024-07-29. Review status: criteria provided, single submitter. Criteria: ACMG Guidelines, 2015. Collection method: clinical testing. Allele origin: germline. Inheritance: Autosomal dominant inheritance. Observed: 2 variant alleles, 2 heterozygotes.
Comment: This study involves interpretation of variants in research participants for the purpose of population health screening. Participant phenotype was not available at the time of variant classification. Additional details can be found in publication PMID: 35346344, PMCID: PMC8962531

NM_001035.3(RYR2):c.6689-15C>T

Gene: RYR2 (ryanodine receptor 2; plus strand). Cytogenetic location: 1q43.
Variant type: single nucleotide variant.
Coding change: c.6689-15C>T on transcript NM_001035.3 (MANE Select); 15 bases into the intron before coding-DNA position 6689, C replaced by T.
Molecular consequence: intron variant.
Genome position (GRCh38, 1-based): chr1:237,634,874, C>T. VCF-style: chr1-237634874-C-T. GRCh37 (hg19) VCF-style: chr1-237798174-C-T.
Identifiers: ClinVar variation 2140077 (VCV002140077.5), dbSNP rs1260640934, ClinGen allele CA529544724.
Genomic context (GRCh38, chr1:237,634,874, plus strand): 5'-GGTAGTATATTTTTGTATGGAGTTTATAGTTACAGCACGATCCAGGTTATATTTCATCTT[C>T]ATTTGAATTAATAGCCTCCCCAGCTATGAGAGGTTCAACACCACTGGATGTGGCTGCAGC-3'